The following is an entry in ClinVar:

ClinVar aggregate classification (germline): Uncertain significance (1 of 4 stars; one submission).

Conditions:
Cardiovascular phenotype. Identifiers: MedGen CN230736.

gnomAD v4.1: 1 of 1,548,986 alleles (0.000065%); highest among the groups gnomAD compares: Non-Finnish European, 0.000087%; no homozygotes.

Submission:

Ambry Genetics
Classification: Uncertain significance for Cardiovascular phenotype. Last evaluated: 2024-12-10. Review status: criteria provided, single submitter. Criteria: Ambry Variant Classification Scheme 2023. Collection method: clinical testing. Allele origin: germline.
Comment: The p.V56M variant (also known as c.166G>A), located in coding exon 1 of the CBL gene, results from a G to A substitution at nucleotide position 166. The valine at codon 56 is replaced by methionine, an amino acid with highly similar properties. This amino acid position is conserved. In addition, the in silico prediction for this alteration is inconclusive. Based on the available evidence, the clinical significance of this variant remains unclear.

NM_005188.4(CBL):c.166G>A (p.Val56Met)

Genes: CBL (Cbl proto-oncogene; plus strand), LOC130006895 (ATAC-STARR-seq lymphoblastoid silent region 3975; plus strand). Cytogenetic location: 11q23.3.
Variant type: single nucleotide variant.
Coding change: c.166G>A on transcript NM_005188.4 (MANE Select); coding-DNA position 166, G replaced by A.
Protein change: p.Val56Met; replaces valine 56 with methionine.
Molecular consequence: missense variant.
Genome position (GRCh38, 1-based): chr11:119,206,583, G>A. VCF-style: chr11-119206583-G-A. GRCh37 (hg19) VCF-style: chr11-119077293-G-A.
Other names: short protein forms V56M.
Identifiers: ClinVar variation 3485643 (VCV003485643.1).